The following is an entry in ClinVar:

ClinVar aggregate classification (germline): Conflicting classifications of pathogenicity. Review status: criteria provided, conflicting classifications (1 of 4 stars). 2 submissions from 2 submitters: Uncertain significance (1); Likely benign (1). Last evaluated 2026-04-01.

Conditions:
Bethlem myopathy 1A. Also called: Bethlem Muscular Dystrophy; Bethlem myopathy 1; MYOPATHY, BENIGN CONGENITAL, WITH CONTRACTURES. Identifiers: Orphanet 610, MedGen CN029274, MONDO:0024530, OMIM 158810.

Allele frequency attached by ClinVar (database versions not stated): TOPMed 0.00001; gnomAD 0.00003; ExAC 0.00001; gnomAD exomes 0.00001.
gnomAD v4.1: 19 of 1,612,586 alleles (0.0012%); highest among the groups gnomAD compares: African/African-American, 0.0053%; no homozygotes.

Submissions (2):

CeGaT Center for Human Genetics Tuebingen
Classification: Uncertain significance. Last evaluated: 2026-04-01. Review status: criteria provided, single submitter. Criteria: CeGaT Center For Human Genetics Tuebingen Variant Classification Criteria Version 2. Collection method: clinical testing. Allele origin: germline. Affected: yes. Observed: 3 variant alleles.
Comment: COL6A2: PM2

Labcorp Genetics (formerly Invitae), Labcorp
Classification: Likely benign for Bethlem myopathy 1A. Last evaluated: 2025-09-22. Review status: criteria provided, single submitter. Criteria: Invitae Variant Classification Sherloc (09022015). Collection method: clinical testing. Allele origin: germline.

NM_001849.4(COL6A2):c.1598G>A (p.Arg533His)

Gene: COL6A2 (collagen type VI alpha 2 chain; plus strand). Cytogenetic location: 21q22.3.
Variant type: single nucleotide variant.
Coding change: c.1598G>A on transcript NM_001849.4 (MANE Select); coding-DNA position 1598, G replaced by A.
Protein change: p.Arg533His; replaces arginine 533 with histidine.
Molecular consequence: missense variant.
Genome position (GRCh38, 1-based): chr21:46,122,521, G>A. VCF-style: chr21-46122521-G-A. GRCh37 (hg19) VCF-style: chr21-47542435-G-A.
Other names: c.1598G>A, p.Arg533His (NM_058174.3, NM_058175.3); short protein forms R533H.
Identifiers: ClinVar variation 951105 (VCV000951105.22), dbSNP rs781676156, ClinGen allele CA10072015.